The following is an entry in ClinVar:

NM_001330311.2(DVL1):c.1457A>G (p.Lys486Arg)

Gene: DVL1 (dishevelled segment polarity protein 1; minus strand). Cytogenetic location: 1p36.33.
Variant type: single nucleotide variant.
Coding change: c.1457A>G on transcript NM_001330311.2 (MANE Select); coding-DNA position 1457, A replaced by G.
Protein change: p.Lys486Arg; replaces lysine 486 with arginine.
Molecular consequence: missense variant.
Genome position (GRCh38, 1-based): chr1:1,338,319, T>C on the plus strand (A>G on the coding strand, the complement: DVL1 is on the minus strand). VCF-style: chr1-1338319-T-C. GRCh37 (hg19) VCF-style: chr1-1273699-T-C.
Other names: c.1382A>G, p.Lys461Arg (NM_004421.3); short protein forms K486R, K461R.
Identifiers: ClinVar variation 4691873 (VCV004691873.1).
Genomic context (GRCh38, chr1:1,338,319, plus strand): 5'-CCCCACTCACTGCTGCAGAGATCCCCGAAGACGTAGTAGCACTGCTCGGAGAAGGTGATC[T>C]TGTTGACCGTGTGCCGCAGGAAGCCGTGCTTCAGCAAGCTGCTGGCGTACTTCCGGGCCT-3'
Protein context (NP_001317240.1, residues 476-496): KHGFLRHTVN[Lys486Arg]ITFSEQCYYV

ClinVar aggregate classification (germline): Uncertain significance (1 of 4 stars; one submission).

gnomAD v4.1: 36 of 1,610,562 alleles (0.0022%); highest among the groups gnomAD compares: Non-Finnish European, 0.0025%; 1 homozygote.

Submission:

Labcorp Genetics (formerly Invitae), Labcorp
Classification: Uncertain significance. Last evaluated: 2025-12-13. Review status: criteria provided, single submitter. Criteria: Invitae Variant Classification Sherloc (09022015). Collection method: clinical testing. Allele origin: germline.
Comment: This sequence change replaces lysine, which is basic and polar, with arginine, which is basic and polar, at codon 461 of the DVL1 protein (p.Lys461Arg). This variant is present in population databases (rs770759169, gnomAD 0.01%). This variant has not been reported in the literature in individuals affected with DVL1-related conditions. Invitae Evidence Modeling of protein sequence and biophysical properties (such as structural, functional, and spatial information, amino acid conservation, physicochemical variation, residue mobility, and thermodynamic stability) indicates that this missense variant is expected to disrupt DVL1 protein function with a positive predictive value of 80%. In summary, the available evidence is currently insufficient to determine the role of this variant in disease. Therefore, it has been classified as a Variant of Uncertain Significance.